The following is an entry in ClinVar:

NM_001927.4(DES):c.524G>A (p.Arg175His)

Gene: DES (desmin; plus strand). Cytogenetic location: 2q35.
Variant type: single nucleotide variant.
Coding change: c.524G>A on transcript NM_001927.4 (MANE Select); coding-DNA position 524, G replaced by A.
Protein change: p.Arg175His; replaces arginine 175 with histidine.
Molecular consequence: missense variant.
Genome position (GRCh38, 1-based): chr2:219,418,986, G>A. VCF-style: chr2-219418986-G-A. GRCh37 (hg19) VCF-style: chr2-220283708-G-A.
Other names: p.Arg175His; c.524G>A (LRG_380t1); short protein forms R175H.
Identifiers: ClinVar variation 239077 (VCV000239077.14), dbSNP rs878854472, ClinGen allele CA10581948.

ClinVar aggregate classification (germline): Uncertain significance. Review status: criteria provided, multiple submitters, no conflicts (2 of 4 stars). 3 submissions from 3 submitters: Uncertain significance (3). Last evaluated 2025-01-17.

Conditions:
Cardiovascular phenotype. Identifiers: MedGen CN230736.
Desmin-related myofibrillar myopathy (MFM1). Also called: Myofibrillar myopathy 1; Desminopathy; Desmin related myopathy (former name); Desmin storage myopathy (former name); MYOFIBRILLAR MYOPATHY WITH ARRHYTHMOGENIC RIGHT VENTRICULAR CARDIOMYOPATHY; DESMIN-RELATED MYOPATHY WITH ARRHYTHMOGENIC RIGHT VENTRICULAR CARDIOMYOPATHY. Identifiers: Orphanet 363543, Orphanet 98909, MedGen C1832370, MONDO:0011076, OMIM 601419.

Allele frequency attached by ClinVar (database versions not stated): gnomAD exomes below 0.00001; gnomAD 0.00001.

Submissions (3):

Ambry Genetics
Classification: Uncertain significance for Cardiovascular phenotype. Last evaluated: 2025-01-17. Review status: criteria provided, single submitter. Criteria: Ambry Variant Classification Scheme 2023. Collection method: clinical testing. Allele origin: germline.
Comment: The p.R175H variant (also known as c.524G>A), located in coding exon 1 of the DES gene, results from a G to A substitution at nucleotide position 524. The arginine at codon 175 is replaced by histidine, an amino acid with highly similar properties. This amino acid position is highly conserved in available vertebrate species. In addition, this alteration is predicted to be deleterious by in silico analysis. Based on the available evidence, the clinical significance of this variant remains unclear.

Labcorp Genetics (formerly Invitae), Labcorp
Classification: Uncertain significance for Desmin-related myofibrillar myopathy. Last evaluated: 2023-09-29. Review status: criteria provided, single submitter. Criteria: Invitae Variant Classification Sherloc (09022015). Collection method: clinical testing. Allele origin: germline.
Comment: This sequence change replaces arginine, which is basic and polar, with histidine, which is basic and polar, at codon 175 of the DES protein (p.Arg175His). This variant is present in population databases (no rsID available, gnomAD 0.01%). This variant has not been reported in the literature in individuals affected with DES-related conditions. ClinVar contains an entry for this variant (Variation ID: 239077). Advanced modeling of protein sequence and biophysical properties (such as structural, functional, and spatial information, amino acid conservation, physicochemical variation, residue mobility, and thermodynamic stability) has been performed at Invitae for this missense variant, however the output from this modeling did not meet the statistical confidence thresholds required to predict the impact of this variant on DES protein function. In summary, the available evidence is currently insufficient to determine the role of this variant in disease. Therefore, it has been classified as a Variant of Uncertain Significance.

Mayo Clinic Laboratories, Mayo Clinic
Classification: Uncertain significance. Last evaluated: 2021-09-17. Review status: criteria provided, single submitter. Criteria: ACMG Guidelines, 2015. Collection method: clinical testing. Allele origin: germline.